The following is an entry in ClinVar:

ClinVar aggregate classification (germline): Uncertain significance. Review status: criteria provided, multiple submitters, no conflicts (2 of 4 stars). 2 submissions from 2 submitters: Uncertain significance (2). Last evaluated 2025-08-07.

Conditions:
Autosomal recessive limb-girdle muscular dystrophy type 2N. Also called: MUSCULAR DYSTROPHY-DYSTROGLYCANOPATHY, LIMB-GIRDLE, POMT2-RELATED; Muscular dystrophy-dystroglycanopathy (limb-girdle), type C, 2. Identifiers: Orphanet 206559, MedGen C3150418, MONDO:0013162, OMIM 613158.
Muscular dystrophy-dystroglycanopathy (congenital with brain and eye anomalies), type A2. Also called: MUSCULAR DYSTROPHY-DYSTROGLYCANOPATHY (CONGENITAL WITH BRAIN AND EYE ANOMALIES), TYPE A, 2; WALKER-WARBURG SYNDROME OR MUSCLE-EYE-BRAIN DISEASE, POMT2-RELATED. Identifiers: Orphanet 588, Orphanet 899, MedGen C3150411, MONDO:0013154, OMIM 613150.
Muscular dystrophy-dystroglycanopathy (congenital with impaired intellectual development), type B, 2. Also called: Muscular dystrophy-dystroglycanopathy (congenital with intellectual disability), type B2; MUSCULAR DYSTROPHY, CONGENITAL, POMT2-RELATED. Identifiers: MedGen C3150416, MONDO:0013160, OMIM 613156.
Inborn genetic diseases. Identifiers: MedGen C0950123, MeSH D030342.

gnomAD v4.1: 15 of 1,614,166 alleles (0.00093%); highest among the groups gnomAD compares: Non-Finnish European, 0.0013%; no homozygotes.

Submissions (2):

Ambry Genetics
Classification: Uncertain significance for Inborn genetic diseases. Last evaluated: 2025-08-07. Review status: criteria provided, single submitter. Criteria: Ambry Variant Classification Scheme 2023. Collection method: clinical testing. Allele origin: germline.

Labcorp Genetics (formerly Invitae), Labcorp
Classification: Uncertain significance for Muscular dystrophy-dystroglycanopathy (congenital with impaired intellectual development), type B, 2; Muscular dystrophy-dystroglycanopathy (congenital with brain and eye anomalies), type A2; Autosomal recessive limb-girdle muscular dystrophy type 2N. Last evaluated: 2024-10-15. Review status: criteria provided, single submitter. Criteria: Invitae Variant Classification Sherloc (09022015). Collection method: clinical testing. Allele origin: germline.
Comment: This sequence change replaces proline, which is neutral and non-polar, with leucine, which is neutral and non-polar, at codon 224 of the POMT2 protein (p.Pro224Leu). This variant is present in population databases (no rsID available, gnomAD 0.003%). This variant has not been reported in the literature in individuals affected with POMT2-related conditions. ClinVar contains an entry for this variant (Variation ID: 2421174). Invitae Evidence Modeling of protein sequence and biophysical properties (such as structural, functional, and spatial information, amino acid conservation, physicochemical variation, residue mobility, and thermodynamic stability) indicates that this missense variant is not expected to disrupt POMT2 protein function with a negative predictive value of 95%. In summary, the available evidence is currently insufficient to determine the role of this variant in disease. Therefore, it has been classified as a Variant of Uncertain Significance.

NM_013382.7(POMT2):c.671C>T (p.Pro224Leu)

Genes: POMT2 (protein O-mannosyltransferase 2; minus strand), LOC130056175 (ATAC-STARR-seq lymphoblastoid silent region 5968; plus strand). Cytogenetic location: 14q24.3.
Variant type: single nucleotide variant.
Coding change: c.671C>T on transcript NM_013382.7 (MANE Select); coding-DNA position 671, C replaced by T.
Protein change: p.Pro224Leu; replaces proline 224 with leucine.
Molecular consequence: missense variant.
Genome position (GRCh38, 1-based): chr14:77,301,235, G>A on the plus strand (C>T on the coding strand, the complement: POMT2 is on the minus strand). VCF-style: chr14-77301235-G-A. GRCh37 (hg19) VCF-style: chr14-77767578-G-A.
Other names: short protein forms P224L.
Identifiers: ClinVar variation 2421174 (VCV002421174.9), dbSNP rs771995900, ClinGen allele CA390520380.